The following is an entry in ClinVar:

ClinVar aggregate classification (germline): Pathogenic (1 of 4 stars; one submission).

Conditions:
Congenital myasthenic syndrome 10. Also called: Myasthenia, limb-girdle, familial. Identifiers: Orphanet 590, MedGen C1850792, MONDO:0009690, OMIM 254300.
Fetal akinesia deformation sequence 1 (FADS1). Also called: Pena-Shokeir syndrome type I; Fetal akinesia sequence. Identifiers: Orphanet 994, MedGen C1276035, MONDO:0100101, OMIM 208150, HP:0001989.

Submission:

Labcorp Genetics (formerly Invitae), Labcorp
Classification: Pathogenic for Congenital myasthenic syndrome 10; Fetal akinesia deformation sequence 1. Last evaluated: 2022-06-12. Review status: criteria provided, single submitter. Criteria: Invitae Variant Classification Sherloc (09022015). Collection method: clinical testing. Allele origin: germline.
Comment: For these reasons, this variant has been classified as Pathogenic. This variant disrupts a region of the DOK7 protein in which other variant(s) (p.Pro486Argfs*15) have been determined to be pathogenic (PMID: 29118959). This suggests that this is a clinically significant region of the protein, and that variants that disrupt it are likely to be disease-causing. This variant has not been reported in the literature in individuals affected with DOK7-related conditions. This variant is a gross deletion of the genomic region encompassing exon(s) 7 of the DOK7 gene, which includes the termination codon. This deletion extends beyond the assayed region for this gene and therefore may encompass additional genes. While this deletion is not anticipated to lead to nonsense mediated decay, it is expected to alter mRNA translation or result in a truncated protein product.

Literature cited by the submitters: PubMed 29118959.

NC_000004.11:g.(?_3494466)_(3495228_?)del

Gene: DOK7 (docking protein 7; plus strand). Cytogenetic location: 4p16.3.
Variant type: Deletion.
Identifiers: ClinVar variation 2427510 (VCV002427510.6).